The following is an entry in ClinVar:

NM_014639.4(SKIC3):c.2079A>G (p.Val693=)

Gene: SKIC3 (SKI3 subunit of superkiller complex; minus strand). Cytogenetic location: 5q15.
Variant type: single nucleotide variant.
Coding change: c.2079A>G on transcript NM_014639.4 (MANE Select); coding-DNA position 2079, A replaced by G.
Protein change: p.Val693=; no amino-acid change (valine 693 retained).
Molecular consequence: synonymous variant.
Genome position (GRCh38, 1-based): chr5:95,520,751, T>C on the plus strand (A>G on the coding strand, the complement: SKIC3 is on the minus strand). VCF-style: chr5-95520751-T-C. GRCh37 (hg19) VCF-style: chr5-94856455-T-C.
Identifiers: ClinVar variation 5041493 (VCV005041493.1).

ClinVar aggregate classification (germline): Likely benign (1 of 4 stars; one submission).

Submission:

CeGaT Center for Human Genetics Tuebingen
Classification: Likely benign. Last evaluated: 2026-09-01. Review status: criteria provided, single submitter. Criteria: CeGaT Center For Human Genetics Tuebingen Variant Classification Criteria Version 2. Collection method: clinical testing. Allele origin: germline. Affected: yes. Observed: 1 variant allele.
Comment: SKIC3: PM2:Supporting, BP4, BP7